The following is an entry in ClinVar:

NM_020461.4(TUBGCP6):c.1321C>T (p.Gln441Ter)

Gene: TUBGCP6 (tubulin gamma complex component 6; minus strand). Cytogenetic location: 22q13.33.
Variant type: single nucleotide variant.
Coding change: c.1321C>T on transcript NM_020461.4 (MANE Select); coding-DNA position 1321, C replaced by T.
Protein change: p.Gln441Ter; replaces glutamine 441 with a stop codon.
Molecular consequence: nonsense.
Genome position (GRCh38, 1-based): chr22:50,227,998, G>A on the plus strand (C>T on the coding strand, the complement: TUBGCP6 is on the minus strand). VCF-style: chr22-50227998-G-A. GRCh37 (hg19) VCF-style: chr22-50666427-G-A.
Other names: short protein forms Q441*.
Identifiers: ClinVar variation 2011054 (VCV002011054.4), dbSNP rs2519160574, ClinGen allele CA412108180.

ClinVar aggregate classification (germline): Pathogenic (1 of 4 stars; one submission).

Allele frequency attached by ClinVar (database versions not stated): gnomAD exomes below 0.00001.
gnomAD v4.1: 5 of 1,568,288 alleles (0.00032%); highest among the groups gnomAD compares: Non-Finnish European, 0.00043%; no homozygotes.

Submission:

Labcorp Genetics (formerly Invitae), Labcorp
Classification: Pathogenic. Last evaluated: 2022-06-26. Review status: criteria provided, single submitter. Criteria: Invitae Variant Classification Sherloc (09022015). Collection method: clinical testing. Allele origin: germline.
Comment: This variant is not present in population databases (gnomAD no frequency). This sequence change creates a premature translational stop signal (p.Gln441*) in the TUBGCP6 gene. It is expected to result in an absent or disrupted protein product. Loss-of-function variants in TUBGCP6 are known to be pathogenic (PMID: 25344692). This variant has not been reported in the literature in individuals affected with TUBGCP6-related conditions. For these reasons, this variant has been classified as Pathogenic.

Literature cited by the submitters: PubMed 25344692.